The following is an entry in ClinVar:

ClinVar aggregate classification (germline): Likely pathogenic (1 of 4 stars; one submission).

Conditions:
Epilepsy, familial adult myoclonic, 5 (EPEO5). Also called: CORTICAL MYOCLONIC TREMOR WITH EPILEPSY, FAMILIAL, 5. Identifiers: Orphanet 86814, MedGen C3809374, MONDO:0014167, OMIM 615400.

Submission:

Labcorp Genetics (formerly Invitae), Labcorp
Classification: Likely pathogenic for Epilepsy, familial adult myoclonic, 5. Last evaluated: 2023-11-18. Review status: criteria provided, single submitter. Criteria: Invitae Variant Classification Sherloc (09022015). Collection method: clinical testing. Allele origin: germline.
Comment: This sequence change affects an acceptor splice site in intron 13 of the CNTN2 gene. It is expected to disrupt RNA splicing. Variants that disrupt the donor or acceptor splice site typically lead to a loss of protein function (PMID: 16199547), and loss-of-function variants in CNTN2 are known to be pathogenic (PMID: 11178983, 23518707). This variant is not present in population databases (gnomAD no frequency). This variant has not been reported in the literature in individuals affected with CNTN2-related conditions. Algorithms developed to predict the effect of sequence changes on RNA splicing suggest that this variant may disrupt the consensus splice site. In summary, the currently available evidence indicates that the variant is pathogenic, but additional data are needed to prove that conclusively. Therefore, this variant has been classified as Likely Pathogenic.

Literature cited by the submitters: PubMed 16199547; PubMed 11178983; PubMed 23518707.

NM_005076.5(CNTN2):c.1696-2A>G

Gene: CNTN2 (contactin 2; plus strand). Cytogenetic location: 1q32.1.
Variant type: single nucleotide variant.
Coding change: c.1696-2A>G on transcript NM_005076.5 (MANE Select); the canonical splice acceptor site of the intron before coding-DNA position 1696, A replaced by G.
Molecular consequence: splice acceptor variant.
Genome position (GRCh38, 1-based): chr1:205,065,787, A>G. VCF-style: chr1-205065787-A-G. GRCh37 (hg19) VCF-style: chr1-205034915-A-G.
Other names: c.1696-2A>G (NM_001346083.2).
Identifiers: ClinVar variation 2697084 (VCV002697084.3), dbSNP rs2526391548, ClinGen allele CA344375661.